The following is an entry in ClinVar:

ClinVar aggregate classification (germline): Conflicting classifications of pathogenicity. Review status: criteria provided, conflicting classifications (1 of 4 stars). 7 submissions from 7 submitters: Likely pathogenic (3); Uncertain significance (4). Last evaluated 2026-05-19.

Conditions:
ACTA2-related disorder. Also called: ACTA2-related disorders; ACTA2-related condition.
Familial thoracic aortic aneurysm and aortic dissection (TAAD). Also called: Thoracic aortic aneurysms and dissections. Identifiers: Orphanet 91387, MedGen C4707243, MONDO:0019625.
Aortic aneurysm, familial thoracic 6 (AAT6). Also called: FAMILIAL THORACIC AORTIC ANEURYSM WITH LIVEDO RETICULARIS AND IRIS FLOCCULI. Identifiers: MedGen C2673186, MONDO:0012730, OMIM 611788.

Allele frequency attached by ClinVar (database versions not stated): gnomAD exomes below 0.00001.
gnomAD v4.1: 1 of 1,613,796 alleles (0.000062%); highest among the groups gnomAD compares: Non-Finnish European, 0.000085%; no homozygotes.

Submissions (7):

PreventionGenetics, part of Exact Sciences
Classification: Uncertain significance for ACTA2-related condition. Last evaluated: 2026-05-19. Review status: criteria provided, single submitter. Criteria: ACMG Guidelines, 2015. Collection method: clinical testing. Allele origin: germline.
Comment: The ACTA2 c.215C>T variant is predicted to result in the amino acid substitution p.Pro72Leu. To our knowledge, this variant has not been reported in the literature or in a large population database (gnomAD), indicating this variant is rare. An alternate missense change at the same amino acid position (p.Pro72Gln) has been reported in individuals with aortic aneurysms and dissections (Guo et al. 2009. PubMed ID: 19409525; Regaldo et al. 2015. PubMed ID: 25759435). This variant has conflicting interpretations in ClinVar, ranging from uncertain to likely pathogenic (Variation ID: 404178). Although we suspect that this variant may be pathogenic, at this time, the clinical significance of this variant is uncertain due to the absence of conclusive functional and genetic evidence.

Labcorp Genetics (formerly Invitae), Labcorp
Classification: Likely pathogenic for Aortic aneurysm, familial thoracic 6. Last evaluated: 2026-01-04. Review status: criteria provided, single submitter. Criteria: Invitae Variant Classification Sherloc (09022015). Collection method: clinical testing. Allele origin: germline.
Comment: This sequence change replaces proline, which is neutral and non-polar, with leucine, which is neutral and non-polar, at codon 72 of the ACTA2 protein (p.Pro72Leu). This variant is not present in population databases (gnomAD no frequency). This missense change has been observed in individuals with clinical features of thoracic aortic aneurysms and dissections (internal data). ClinVar contains an entry for this variant (Variation ID: 404178). Invitae Evidence Modeling of protein sequence and biophysical properties (such as structural, functional, and spatial information, amino acid conservation, physicochemical variation, residue mobility, and thermodynamic stability) indicates that this missense variant is expected to disrupt ACTA2 protein function with a positive predictive value of 80%. This variant disrupts the p.Pro72 amino acid residue in ACTA2. Other variant(s) that disrupt this residue have been observed in individuals with ACTA2-related conditions (PMID: 19409525), which suggests that this may be a clinically significant amino acid residue. In summary, the currently available evidence indicates that the variant is pathogenic, but additional data are needed to prove that conclusively. Therefore, this variant has been classified as Likely Pathogenic.

Mayo Clinic Laboratories, Mayo Clinic
Classification: Likely pathogenic. Last evaluated: 2025-12-14. Review status: criteria provided, single submitter. Criteria: ACMG Guidelines, 2015. Collection method: clinical testing. Allele origin: germline. Observed: 1 variant allele.
Comment: PP2, PP3_moderate, PM1_supporting, PM2_supporting, PS4_moderate

Ambry Genetics
Classification: Uncertain significance for Familial thoracic aortic aneurysm and aortic dissection. Last evaluated: 2025-09-25. Review status: criteria provided, single submitter. Criteria: Ambry Variant Classification Scheme 2023. Collection method: clinical testing. Allele origin: germline.
Comment: The p.P72L variant (also known as c.215C>T), located in coding exon 2 of the ACTA2 gene, results from a C to T substitution at nucleotide position 215. The proline at codon 72 is replaced by leucine, an amino acid with similar properties. This amino acid position is highly conserved in available vertebrate species. In addition, this alteration is predicted to be deleterious by in silico analysis. Since supporting evidence is limited at this time, the clinical significance of this alteration remains unclear.

Color Diagnostics, LLC DBA Color Health
Classification: Uncertain significance for Familial thoracic aortic aneurysm and aortic dissection. Last evaluated: 2022-06-17. Review status: criteria provided, single submitter. Criteria: ACMG Guidelines, 2015. Collection method: clinical testing. Allele origin: germline.
Comment: This missense variant replaces proline with leucine at codon 72 of the ACTA2 protein. Computational prediction suggests that this variant may have deleterious impact on protein structure and function (internally defined REVEL score threshold >= 0.7, PMID: 27666373). To our knowledge, functional studies have not been reported for this variant. This variant has been reported in individuals with clinical features of thoracic aortic aneurysms and dissections (Clinvar SCV000541644.3). This variant has not been identified in the general population by the Genome Aggregation Database (gnomAD). A different missense variant occurring at the same codon, p.Pro72Gln, has also been reported in individuals affected with aortic aneurysms and dissections (PMID: 19409525, 25759435), suggesting that proline at this position is important for protein function. The available evidence is insufficient to determine the role of this variant in disease conclusively. Therefore, this variant is classified as a Variant of Uncertain Significance.

Blueprint Genetics
Classification: Likely pathogenic for ACTA2-related disorders. Last evaluated: 2021-11-10. Review status: criteria provided, single submitter. Criteria: ACMG Guidelines, 2015. Collection method: clinical testing. Allele origin: germline. Affected: yes. Observed: 2 variant alleles.

GeneDx
Classification: Uncertain significance. Last evaluated: 2020-05-04. Review status: criteria provided, single submitter. Criteria: GeneDx Variant Classification Process June 2021. Collection method: clinical testing. Allele origin: germline. Affected: yes.
Comment: Has not been previously published as pathogenic or benign to our knowledge; Not observed in large population cohorts (Lek et al., 2016); In silico analysis supports that this missense variant has a deleterious effect on protein structure/function; Reported in ClinVar (ClinVar Variant ID# 404178; Landrum et al., 2016)

Literature cited by the submitters: PubMed 19409525 (cited by Labcorp Genetics (formerly Invitae), Labcorp and Color Diagnostics, LLC DBA Color Health); PubMed 25759435 (cited by Color Diagnostics, LLC DBA Color Health).

NM_001613.4(ACTA2):c.215C>T (p.Pro72Leu)

Gene: ACTA2 (actin alpha 2, smooth muscle; minus strand). Cytogenetic location: 10q23.31.
Variant type: single nucleotide variant.
Coding change: c.215C>T on transcript NM_001613.4 (MANE Select); coding-DNA position 215, C replaced by T.
Protein change: p.Pro72Leu; replaces proline 72 with leucine.
Molecular consequence: missense variant.
Genome position (GRCh38, 1-based): chr10:88,947,301, G>A on the plus strand (C>T on the coding strand, the complement: ACTA2 is on the minus strand). VCF-style: chr10-88947301-G-A. GRCh37 (hg19) VCF-style: chr10-90707058-G-A.
Other names: p.Pro72Leu; c.215C>T, p.Pro72Leu (NM_001406464.1, NM_001406466.1, NM_001406471.1 and 4 more transcripts); short protein forms P72L.
Identifiers: ClinVar variation 404178 (VCV000404178.22), dbSNP rs1060500134, ClinGen allele CA16613266.